The following is an entry in ClinVar:

ClinVar aggregate classification (germline): Uncertain significance (1 of 4 stars; one submission).

Allele frequency attached by ClinVar (database versions not stated): gnomAD exomes below 0.00001; gnomAD 0.00001.
gnomAD v4.1: 3 of 1,614,054 alleles (0.00019%); highest among the groups gnomAD compares: Non-Finnish European, 0.00025%; no homozygotes.

Submission:

Labcorp Genetics (formerly Invitae), Labcorp
Classification: Uncertain significance. Last evaluated: 2022-01-21. Review status: criteria provided, single submitter. Criteria: Invitae Variant Classification Sherloc (09022015). Collection method: clinical testing. Allele origin: germline.
Comment: This sequence change replaces cysteine, which is neutral and slightly polar, with arginine, which is basic and polar, at codon 260 of the PUS1 protein (p.Cys260Arg). This variant is not present in population databases (gnomAD no frequency). This variant has not been reported in the literature in individuals affected with PUS1-related conditions. Algorithms developed to predict the effect of missense changes on protein structure and function output the following: SIFT: "Tolerated"; PolyPhen-2: "Benign"; Align-GVGD: "Class C0". The arginine amino acid residue is found in multiple mammalian species, which suggests that this missense change does not adversely affect protein function. In summary, the available evidence is currently insufficient to determine the role of this variant in disease. Therefore, it has been classified as a Variant of Uncertain Significance.

NM_025215.6(PUS1):c.778T>C (p.Cys260Arg)

Gene: PUS1 (pseudouridine synthase 1; plus strand). Cytogenetic location: 12q24.33.
Variant type: single nucleotide variant.
Coding change: c.778T>C on transcript NM_025215.6 (MANE Select); coding-DNA position 778, T replaced by C.
Protein change: p.Cys260Arg; replaces cysteine 260 with arginine.
Molecular consequence: missense variant.
Genome position (GRCh38, 1-based): chr12:131,941,525, T>C. VCF-style: chr12-131941525-T-C. GRCh37 (hg19) VCF-style: chr12-132426070-T-C.
Other names: c.694T>C, p.Cys232Arg (NM_001002019.3, NM_001002020.3); short protein forms C260R, C232R.
Identifiers: ClinVar variation 2088556 (VCV002088556.1), dbSNP rs1891066407, ClinGen allele CA387299159.